The following is an entry in ClinVar:

ClinVar aggregate classification (germline): Uncertain significance (1 of 4 stars; one submission).

Conditions:
Severe combined immunodeficiency due to DNA-PKcs deficiency. Also called: IMMUNODEFICIENCY 26 WITH NEUROLOGIC ABNORMALITIES; Immunodeficiency 26 with or without neurologic abnormalities. Identifiers: Orphanet 317425, MedGen C4014833, MONDO:0014423, OMIM 615966.

gnomAD v4.1: 8 of 1,576,834 alleles (0.00051%); highest among the groups gnomAD compares: East Asian, 0.018%; no homozygotes.

Submission:

Labcorp Genetics (formerly Invitae), Labcorp
Classification: Uncertain significance for Severe combined immunodeficiency due to DNA-PKcs deficiency. Last evaluated: 2025-09-02. Review status: criteria provided, single submitter. Criteria: Invitae Variant Classification Sherloc (09022015). Collection method: clinical testing. Allele origin: germline.
Comment: This sequence change replaces serine, which is neutral and polar, with threonine, which is neutral and polar, at codon 2862 of the PRKDC protein (p.Ser2862Thr). This variant is present in population databases (rs56261251, gnomAD 0.03%). This variant has not been reported in the literature in individuals affected with PRKDC-related conditions. Invitae Evidence Modeling of protein sequence and biophysical properties (such as structural, functional, and spatial information, amino acid conservation, physicochemical variation, residue mobility, and thermodynamic stability) indicates that this missense variant is not expected to disrupt PRKDC protein function with a negative predictive value of 80%. In summary, the available evidence is currently insufficient to determine the role of this variant in disease. Therefore, it has been classified as a Variant of Uncertain Significance.

NM_006904.7(PRKDC):c.8585G>C (p.Ser2862Thr)

Genes: PRKDC (protein kinase, DNA-activated, catalytic subunit; minus strand), LOC121740717 (Sharpr-MPRA regulatory region 7649; plus strand). Cytogenetic location: 8q11.21.
Variant type: single nucleotide variant.
Coding change: c.8585G>C on transcript NM_006904.7 (MANE Select); coding-DNA position 8585, G replaced by C.
Protein change: p.Ser2862Thr; replaces serine 2862 with threonine.
Molecular consequence: missense variant.
Genome position (GRCh38, 1-based): chr8:47,826,854, C>G on the plus strand (G>C on the coding strand, the complement: PRKDC is on the minus strand). VCF-style: chr8-47826854-C-G. GRCh37 (hg19) VCF-style: chr8-48739415-C-G.
Other names: c.8585G>C, p.Ser2862Thr (NM_001081640.2); short protein forms S2862T.
Identifiers: ClinVar variation 4736970 (VCV004736970.1).
Genomic context (GRCh38, chr8:47,826,854, plus strand): 5'-GCCAGGCAACCAGCGCTAACAGCCGCTGGGTCGAGGCTCAGCAGGGCTGCGTGCTGACAG[C>G]TAATGTCCTGTGAAACCACACATACAACCAGCTGTTTAGCTTGTGGTACTTGGACCATGT-3'
Protein context (NP_008835.5, residues 2852-2872): PPFVSCIQDI[Ser2862Thr]CQHAALLSLD